The following is an entry in ClinVar:

NM_001447.3(FAT2):c.2230G>C (p.Ala744Pro)

Gene: FAT2 (FAT atypical cadherin 2; minus strand). Cytogenetic location: 5q33.1.
Variant type: single nucleotide variant.
Coding change: c.2230G>C on transcript NM_001447.3 (MANE Select); coding-DNA position 2230, G replaced by C.
Protein change: p.Ala744Pro; replaces alanine 744 with proline.
Molecular consequence: missense variant.
Genome position (GRCh38, 1-based): chr5:151,566,702, C>G on the plus strand (G>C on the coding strand, the complement: FAT2 is on the minus strand). VCF-style: chr5-151566702-C-G. GRCh37 (hg19) VCF-style: chr5-150946263-C-G.
Other names: c.2230G>C (NM_001447.2); short protein forms A744P.
Identifiers: ClinVar variation 2417432 (VCV002417432.7), dbSNP rs769966171, ClinGen allele CA3522108.

ClinVar aggregate classification (germline): Uncertain significance. Review status: criteria provided, multiple submitters, no conflicts (2 of 4 stars). 2 submissions from 2 submitters: Uncertain significance (2). Last evaluated 2025-12-10.

Allele frequency attached by ClinVar (database versions not stated): gnomAD exomes 0.00003; ExAC 0.00005; TOPMed 0.00006.
gnomAD v4.1: 18 of 1,614,152 alleles (0.0011%); highest among the groups gnomAD compares: Admixed American, 0.028%; no homozygotes.

Submissions (2):

Labcorp Genetics (formerly Invitae), Labcorp
Classification: Uncertain significance. Last evaluated: 2025-12-10. Review status: criteria provided, single submitter. Criteria: Invitae Variant Classification Sherloc (09022015). Collection method: clinical testing. Allele origin: germline.
Comment: This sequence change replaces alanine, which is neutral and non-polar, with proline, which is neutral and non-polar, at codon 744 of the FAT2 protein (p.Ala744Pro). This variant is present in population databases (rs769966171, gnomAD 0.05%). This variant has not been reported in the literature in individuals affected with FAT2-related conditions. ClinVar contains an entry for this variant (Variation ID: 2417432). Invitae Evidence Modeling of protein sequence and biophysical properties (such as structural, functional, and spatial information, amino acid conservation, physicochemical variation, residue mobility, and thermodynamic stability) indicates that this missense variant is expected to disrupt FAT2 protein function with a positive predictive value of 80%. In summary, the available evidence is currently insufficient to determine the role of this variant in disease. Therefore, it has been classified as a Variant of Uncertain Significance.

Ambry Genetics
Classification: Uncertain significance. Last evaluated: 2025-08-27. Review status: criteria provided, single submitter. Criteria: Ambry Variant Classification Scheme 2023. Collection method: clinical testing. Allele origin: germline.